The following is an entry in ClinVar:

ClinVar aggregate classification (germline): Pathogenic (1 of 4 stars; one submission).

Conditions:
Multiple endocrine neoplasia, type 1 (MEN1). Also called: Endocrine adenomatosis multiple; MEN 1; MEA I; MEN I; WERMER SYNDROME. Identifiers: Orphanet 652, MedGen C0025267, MeSH D018761, MONDO:0007540, OMIM 131100.

Submission:

Labcorp Genetics (formerly Invitae), Labcorp
Classification: Pathogenic for Multiple endocrine neoplasia, type 1. Last evaluated: 2025-05-30. Review status: criteria provided, single submitter. Criteria: Invitae Variant Classification Sherloc (09022015). Collection method: clinical testing. Allele origin: germline.
Comment: This sequence change creates a premature translational stop signal (p.Ile85Leufs*35) in the MEN1 gene. It is expected to result in an absent or disrupted protein product. Loss-of-function variants in MEN1 are known to be pathogenic (PMID: 12112656, 17853334). This variant is not present in population databases (gnomAD no frequency). This variant has not been reported in the literature in individuals affected with MEN1-related conditions. For these reasons, this variant has been classified as Pathogenic.

Literature cited by the submitters: PubMed 12112656; PubMed 17853334.

NM_001370259.2(MEN1):c.251_252dup (p.Ile85fs)

Gene: MEN1 (menin 1; minus strand). Cytogenetic location: 11q13.1.
Variant type: Duplication.
Coding change: c.251_252dup on transcript NM_001370259.2 (MANE Select); coding-DNA positions 251 to 252, 2 bases duplicated (CT; older notation c.251_252dupCT).
Protein change: p.Ile85fs; shifts the reading frame from isoleucine 85.
Molecular consequence: frameshift variant. On other transcripts: non-coding transcript variant (4).
Genome position (GRCh38, 1-based): chr11:64,809,858-64,809,859, AG duplicated on the plus strand (CT on the coding strand, the reverse complement: MEN1 is on the minus strand); duplicating any 2 consecutive bases within chr11:64,809,858-64,809,860 gives the same sequence; the c. name uses the placement nearest the transcript's 3' end. VCF-style (leftmost placement, unchanged base first): chr11-64809857-T-TAG. GRCh37 (hg19) VCF-style: chr11-64577329-T-TAG.
Other names: c.251_252dup, p.Ile85fs (NM_000244.4, NM_001370251.2, NM_001370260.2 and 20 more transcripts); short protein forms I85fs.
Identifiers: ClinVar variation 4719461 (VCV004719461.1).